The following is an entry in ClinVar:

ClinVar aggregate classification (germline): Conflicting classifications of pathogenicity. Review status: criteria provided, conflicting classifications (1 of 4 stars). 5 submissions from 4 submitters: Uncertain significance (2); Likely benign (3). Last evaluated 2026-01-19.

Conditions:
MYH3-related disorder. Also called: MYH3-Related Disorders; MYH3-related condition. Identifiers: MedGen CN239329.
Freeman-Sheldon syndrome (DA2A). Also called: WHISTLING FACE-WINDMILL VANE HAND SYNDROME; CRANIOCARPOTARSAL DYSPLASIA; CRANIOCARPOTARSAL DYSTROPHY; Arthrogryposis, distal, type 2A (Freeman-Sheldon). Identifiers: Orphanet 2053, MedGen C0265224, MONDO:0008675, OMIM 193700.
Distal arthrogryposis type 2B1 (DA2B1). Also called: Arthrogryposis multiplex congenita distal type II with craniofacial abnormalities. Identifiers: Orphanet 1147, MedGen C5193014, MONDO:0020820, OMIM 601680.

Allele frequency attached by ClinVar (database versions not stated): gnomAD 0.00001; ExAC 0.00003; TOPMed 0.00003; gnomAD exomes 0.00006; ESP Exome Variant Server 0.00008.
gnomAD v4.1: 88 of 1,614,076 alleles (0.0055%); highest among the groups gnomAD compares: Non-Finnish European, 0.0074%; no homozygotes.

Submissions (5):

Labcorp Genetics (formerly Invitae), Labcorp
Classification: Likely benign. Last evaluated: 2026-01-19. Review status: criteria provided, single submitter. Criteria: Invitae Variant Classification Sherloc (09022015). Collection method: clinical testing. Allele origin: germline.

PreventionGenetics, part of Exact Sciences
Classification: Likely benign for MYH3-related condition. Last evaluated: 2024-10-09. Review status: criteria provided, single submitter. Criteria: ACMG Guidelines, 2015. Collection method: clinical testing. Allele origin: germline.
Comment: This variant is classified as likely benign based on ACMG/AMP sequence variant interpretation guidelines (Richards et al. 2015 PMID: 25741868, with internal and published modifications).

Blueprint Genetics
Classification: Likely benign. Last evaluated: 2024-08-23. Review status: criteria provided, single submitter. Criteria: ACMG Guidelines, 2015. Collection method: clinical testing. Allele origin: germline.

Illumina Laboratory Services, Illumina
Classification: Uncertain significance for Distal arthrogryposis type 2B1. Last evaluated: 2018-01-13. Review status: criteria provided, single submitter. Criteria: ICSL Variant Classification Criteria 13 December 2019. Collection method: clinical testing. Allele origin: germline.

Illumina Laboratory Services, Illumina
Classification: Uncertain significance for Freeman-Sheldon syndrome. Last evaluated: 2018-01-13. Review status: criteria provided, single submitter. Criteria: ICSL Variant Classification Criteria 13 December 2019. Collection method: clinical testing. Allele origin: germline.

NM_002470.4(MYH3):c.1707G>A (p.Val569=)

Gene: MYH3 (myosin heavy chain 3; minus strand). Cytogenetic location: 17p13.1.
Variant type: single nucleotide variant.
Coding change: c.1707G>A on transcript NM_002470.4 (MANE Select); coding-DNA position 1707, G replaced by A.
Protein change: p.Val569=; no amino-acid change (valine 569 retained).
Molecular consequence: synonymous variant.
Genome position (GRCh38, 1-based): chr17:10,642,598, C>T on the plus strand (G>A on the coding strand, the complement: MYH3 is on the minus strand). VCF-style: chr17-10642598-C-T. GRCh37 (hg19) VCF-style: chr17-10545915-C-T.
Identifiers: ClinVar variation 321756 (VCV000321756.14), dbSNP rs371043485, ClinGen allele CA8392948.
Genomic context (GRCh38, chr17:10,642,598, plus strand): 5'-GTAGTCCACGGTGCCCGCATAGTGGATCAGTGAGAAGTGAGCCTCGGCCCTGCCTTTGAC[C>T]ACCTTGGGCTTCTGGAAGTTGTTGGACTTTCCAAGATGCTGGTCATACAGCTTGTTCTTG-3'
Protein context (NP_002461.2, residues 559-579): GKSNNFQKPK[Val569=]VKGRAEAHFS